The following is an entry in ClinVar:

NM_001852.4(COL9A2):c.350T>A (p.Phe117Tyr)

Gene: COL9A2 (collagen type IX alpha 2 chain; minus strand). Cytogenetic location: 1p34.2.
Variant type: single nucleotide variant.
Coding change: c.350T>A on transcript NM_001852.4 (MANE Select); coding-DNA position 350, T replaced by A.
Protein change: p.Phe117Tyr; replaces phenylalanine 117 with tyrosine.
Molecular consequence: missense variant.
Genome position (GRCh38, 1-based): chr1:40,312,469, A>T on the plus strand (T>A on the coding strand, the complement: COL9A2 is on the minus strand). VCF-style: chr1-40312469-A-T. GRCh37 (hg19) VCF-style: chr1-40778141-A-T.
Other names: short protein forms F117Y.
Identifiers: ClinVar variation 2793861 (VCV002793861.3), dbSNP rs2522560199, ClinGen allele CA339857019.
Genomic context (GRCh38, chr1:40,312,469, plus strand): 5'-CCTTCCCTGGGAGTTCTGGGGATCCTGCCCCATCCCTGAGGACTTACAGGAGGTCCAGCA[A>T]AACCAGGGCCCTGGAACAGAAAGAAAGAAAATTGGCTTCATGGCTCCCTCTGCAGGTCCC-3'
Protein context (NP_001843.1, residues 107-127): PGPPGLPGPG[Phe117Tyr]AGPPGPPGPV

ClinVar aggregate classification (germline): Uncertain significance (1 of 4 stars; one submission).

Submission:

Labcorp Genetics (formerly Invitae), Labcorp
Classification: Uncertain significance. Last evaluated: 2023-11-27. Review status: criteria provided, single submitter. Criteria: Invitae Variant Classification Sherloc (09022015). Collection method: clinical testing. Allele origin: germline.
Comment: This sequence change replaces phenylalanine, which is neutral and non-polar, with tyrosine, which is neutral and polar, at codon 117 of the COL9A2 protein (p.Phe117Tyr). This variant is not present in population databases (gnomAD no frequency). This variant has not been reported in the literature in individuals affected with COL9A2-related conditions. Advanced modeling of protein sequence and biophysical properties (such as structural, functional, and spatial information, amino acid conservation, physicochemical variation, residue mobility, and thermodynamic stability) performed at Invitae indicates that this missense variant is not expected to disrupt COL9A2 protein function with a negative predictive value of 95%. In summary, the available evidence is currently insufficient to determine the role of this variant in disease. Therefore, it has been classified as a Variant of Uncertain Significance.